The following is an entry in ClinVar:

ClinVar aggregate classification (germline): Uncertain significance (1 of 4 stars; one submission).

Conditions:
Bloom syndrome (BLM). Also called: Bloom-Torre-Machacek syndrome. Identifiers: Orphanet 125, MedGen C0005859, MONDO:0008876, OMIM 210900.

Submission:

Labcorp Genetics (formerly Invitae), Labcorp
Classification: Uncertain significance for Bloom syndrome. Last evaluated: 2024-02-24. Review status: criteria provided, single submitter. Criteria: Invitae Variant Classification Sherloc (09022015). Collection method: clinical testing. Allele origin: germline.
Comment: This sequence change replaces asparagine, which is neutral and polar, with aspartic acid, which is acidic and polar, at codon 66 of the BLM protein (p.Asn66Asp). This variant is not present in population databases (gnomAD no frequency). This variant has not been reported in the literature in individuals affected with BLM-related conditions. ClinVar contains an entry for this variant (Variation ID: 2089817). An algorithm developed to predict the effect of missense changes on protein structure and function (PolyPhen-2) suggests that this variant is likely to be disruptive. In summary, the available evidence is currently insufficient to determine the role of this variant in disease. Therefore, it has been classified as a Variant of Uncertain Significance.

NM_000057.4(BLM):c.196A>G (p.Asn66Asp)

Gene: BLM (BLM RecQ like helicase; plus strand). Cytogenetic location: 15q26.1.
Variant type: single nucleotide variant.
Coding change: c.196A>G on transcript NM_000057.4 (MANE Select); coding-DNA position 196, A replaced by G.
Protein change: p.Asn66Asp; replaces asparagine 66 with aspartic acid.
Molecular consequence: missense variant. On other transcripts: 5 prime UTR variant (1).
Genome position (GRCh38, 1-based): chr15:90,749,464, A>G. VCF-style: chr15-90749464-A-G. GRCh37 (hg19) VCF-style: chr15-91292694-A-G.
Other names: c.196A>G, p.Asn66Asp (NM_001287246.2, NM_001287247.2); c.-1096A>G (NM_001287248.2); short protein forms N66D.
Identifiers: ClinVar variation 2089817 (VCV002089817.4), dbSNP rs2505390627, ClinGen allele CA393839673.